The following is an entry in ClinVar:

NM_015158.5(KANK1):c.2765C>T (p.Thr922Ile)

Gene: KANK1 (KN motif and ankyrin repeat domains 1; plus strand). Cytogenetic location: 9p24.3.
Variant type: single nucleotide variant.
Coding change: c.2765C>T on transcript NM_015158.5 (MANE Select); coding-DNA position 2765, C replaced by T.
Protein change: p.Thr922Ile; replaces threonine 922 with isoleucine.
Molecular consequence: missense variant. On other transcripts: non-coding transcript variant (1).
Genome position (GRCh38, 1-based): chr9:730,117, C>T. VCF-style: chr9-730117-C-T. GRCh37 (hg19) VCF-style: chr9-730117-C-T.
Other names: c.2765C>T, p.Thr922Ile (NM_001256876.3, NM_001256877.3, NM_001354331.2 and 2 more transcripts); c.2291C>T, p.Thr764Ile (NM_001354333.2, NM_153186.6, NM_001354335.2 and 9 more transcripts); short protein forms T764I, T922I.
Identifiers: ClinVar variation 1371314 (VCV001371314.24), dbSNP rs535343937, ClinGen allele CA4960614.

ClinVar aggregate classification (germline): Conflicting classifications of pathogenicity. Review status: criteria provided, conflicting classifications (1 of 4 stars). 2 submissions from 2 submitters: Uncertain significance (1); Likely benign (1). Last evaluated 2025-11-04.

Allele frequency attached by ClinVar (database versions not stated): ExAC 0.00002; 1000 Genomes Project 30x 0.00016; 1000 Genomes Project 0.00020.
gnomAD v4.1: 38 of 1,614,192 alleles (0.0024%); highest among the groups gnomAD compares: South Asian, 0.0033%; no homozygotes.

Submissions (2):

Labcorp Genetics (formerly Invitae), Labcorp
Classification: Uncertain significance. Last evaluated: 2025-11-04. Review status: criteria provided, single submitter. Criteria: Invitae Variant Classification Sherloc (09022015). Collection method: clinical testing. Allele origin: germline.
Comment: This sequence change replaces threonine, which is neutral and polar, with isoleucine, which is neutral and non-polar, at codon 922 of the KANK1 protein (p.Thr922Ile). This variant is present in population databases (rs535343937, gnomAD 0.006%). This variant has not been reported in the literature in individuals affected with KANK1-related conditions. ClinVar contains an entry for this variant (Variation ID: 1371314). Invitae Evidence Modeling of protein sequence and biophysical properties (such as structural, functional, and spatial information, amino acid conservation, physicochemical variation, residue mobility, and thermodynamic stability) indicates that this missense variant is not expected to disrupt KANK1 protein function with a negative predictive value of 80%. In summary, the available evidence is currently insufficient to determine the role of this variant in disease. Therefore, it has been classified as a Variant of Uncertain Significance.

CeGaT Center for Human Genetics Tuebingen
Classification: Likely benign. Last evaluated: 2024-06-01. Review status: criteria provided, single submitter. Criteria: CeGaT Center For Human Genetics Tuebingen Variant Classification Criteria Version 2. Collection method: clinical testing. Allele origin: germline. Affected: yes. Observed: 1 variant allele.
Comment: KANK1: BP4